The following is an entry in ClinVar:

NM_030632.3(ASXL3):c.6004G>A (p.Val2002Met)

Gene: ASXL3 (ASXL transcriptional regulator 3; plus strand). Cytogenetic location: 18q12.1.
Variant type: single nucleotide variant.
Coding change: c.6004G>A on transcript NM_030632.3 (MANE Select); coding-DNA position 6004, G replaced by A.
Protein change: p.Val2002Met; replaces valine 2002 with methionine.
Molecular consequence: missense variant.
Genome position (GRCh38, 1-based): chr18:33,745,852, G>A. VCF-style: chr18-33745852-G-A. GRCh37 (hg19) VCF-style: chr18-31325816-G-A.
Other names: short protein forms V2002M.
Identifiers: ClinVar variation 4075695 (VCV004075695.1).
Genomic context (GRCh38, chr18:33,745,852, plus strand): 5'-CACCAGCTAAGGTTAGCCAACATGTTATCCCCCAATATGCCCATGAAAGAAGGTGATGAG[G>A]TGGGAGGCACTGCACACACAATGCCAAACAAAGCACTAGTACATCCGCCGCCGCCACCGC-3'
Protein context (NP_085135.1, residues 1992-2012): PNMPMKEGDE[Val2002Met]GGTAHTMPNK

ClinVar aggregate classification (germline): Uncertain significance (1 of 4 stars; one submission).

Submission:

GeneDx
Classification: Uncertain significance. Last evaluated: 2025-02-13. Review status: criteria provided, single submitter. Criteria: GeneDx Variant Classification Process June 2021. Collection method: clinical testing. Allele origin: germline. Affected: yes.
Comment: Not observed at significant frequency in large population cohorts (gnomAD); In silico analysis indicates that this missense variant does not alter protein structure/function; Has not been previously published as pathogenic or benign to our knowledge